The following is an entry in ClinVar:

NM_030962.4(SBF2):c.4805A>G (p.Lys1602Arg)

Genes: SBF2 (SET binding factor 2; minus strand), SBF2-AS1 (SBF2 antisense RNA 1; plus strand), LOC105369149 (uncharacterized LOC105369149; plus strand). Cytogenetic location: 11p15.4.
Variant type: single nucleotide variant.
Coding change: c.4805A>G on transcript NM_030962.4 (MANE Select); coding-DNA position 4805, A replaced by G.
Protein change: p.Lys1602Arg; replaces lysine 1602 with arginine.
Molecular consequence: missense variant.
Genome position (GRCh38, 1-based): chr11:9,789,236, T>C on the plus strand (A>G on the coding strand, the complement: SBF2 is on the minus strand). VCF-style: chr11-9789236-T-C. GRCh37 (hg19) VCF-style: chr11-9810783-T-C.
Other names: c.4901A>G, p.Lys1634Arg (NM_001386339.1); c.4676A>G, p.Lys1559Arg (NM_001386342.1); short protein forms K1602R, K1559R, K1634R.
Identifiers: ClinVar variation 566427 (VCV000566427.17), dbSNP rs147772705, ClinGen allele CA5880888.
Genomic context (GRCh38, chr11:9,789,236, plus strand): 5'-CTCCTCTGGCTCCGTGGCCCAGCTTCTCCAGCCAGGTCAGAGTCTTCGGAGGGGAAGTGC[T>C]TGGGGGTTAGCATCATCCAGTCATAGGAAGGGCCTGTGGACAGGGTCTCTTCTATGTAGT-3'
Protein context (NP_112224.1, residues 1592-1612): PSYDWMMLTP[Lys1602Arg]HFPSEDSDLA

ClinVar aggregate classification (germline): Uncertain significance. Review status: criteria provided, multiple submitters, no conflicts (2 of 4 stars). 7 submissions from 7 submitters: Uncertain significance (7). Last evaluated 2026-06-01.

Conditions:
Charcot-Marie-Tooth disease type 4B2. Also called: Charcot-Marie-Tooth Neuropathy Type 4B2; CHARCOT-MARIE-TOOTH DISEASE, DEMYELINATING, TYPE 4B2; CHARCOT-MARIE-TOOTH DISEASE, WITH FOCALLY FOLDED MYELIN SHEATHS, AUTOSOMAL RECESSIVE, TYPE 4B2; CMT 4B2. Identifiers: Orphanet 99956, MedGen C1858278, MONDO:0011475, OMIM 604563.
Inborn genetic diseases. Identifiers: MedGen C0950123, MeSH D030342.
Charcot-Marie-Tooth disease. Also called: Charcot-Marie-Tooth Hereditary Neuropathy; Charcot-Marie-Tooth Neuropathy. Identifiers: Orphanet 166, MedGen C0007959, MONDO:0015626.
SBF2-related disorder. Also called: SBF2-related condition.
Charcot-Marie-Tooth disease type 4. Also called: Charcot-Marie-Tooth disease, type IV; Charcot-Marie-Tooth, Type 4. Identifiers: Orphanet 64749, MedGen C4082197, MONDO:0018995.

Allele frequency attached by ClinVar (database versions not stated): gnomAD exomes 0.00004 and 0.00011; ExAC 0.00015; gnomAD 0.00048; TOPMed 0.00054; ESP Exome Variant Server 0.00069.
gnomAD v4.1: 141 of 1,614,166 alleles (0.0087%); highest among the groups gnomAD compares: African/African-American, 0.16%; 1 homozygote.

Submissions (7):

Women's Health and Genetics/Laboratory Corporation of America, LabCorp
Classification: Uncertain significance. Last evaluated: 2026-06-01. Review status: criteria provided, single submitter. Criteria: LabCorp Variant Classification Summary - May 2015. Collection method: clinical testing. Allele origin: germline.
Comment: Variant summary: SBF2 c.4805A>G (p.Lys1602Arg) results in a conservative amino acid change in the encoded protein sequence. Algorithms developed to predict the effect of missense changes on protein structure and function all suggest that this variant is likely to be tolerated. The variant allele was found at a frequency of 0.00011 in 251476 control chromosomes. This frequency is not significantly higher than estimated for disease-causing variants in SBF2, allowing no conclusion about variant significance. c.4805A>G has been observed in at least one individual with suspected Charcot-Marie-Tooth disease, without strong evidence of causality (example: Volodarsky_2021). This report does not provide unequivocal conclusions about association of the variant with disease. To our knowledge, no experimental evidence demonstrating an impact on protein function has been reported. The following publication has been ascertained in the context of this evaluation (PMID: 32376792). ClinVar contains an entry for this variant (Variation ID: 566427). Based on the evidence outlined above, the variant was classified as uncertain significance.

Labcorp Genetics (formerly Invitae), Labcorp
Classification: Uncertain significance for Charcot-Marie-Tooth disease type 4. Last evaluated: 2025-12-23. Review status: criteria provided, single submitter. Criteria: Invitae Variant Classification Sherloc (09022015). Collection method: clinical testing. Allele origin: germline.
Comment: This sequence change replaces lysine, which is basic and polar, with arginine, which is basic and polar, at codon 1602 of the SBF2 protein (p.Lys1602Arg). This variant is present in population databases (rs147772705, gnomAD 0.2%). This missense change has been observed in individual(s) with clinical features of Charcot-Marie-Tooth disease (PMID: 32376792). ClinVar contains an entry for this variant (Variation ID: 566427). Invitae Evidence Modeling of protein sequence and biophysical properties (such as structural, functional, and spatial information, amino acid conservation, physicochemical variation, residue mobility, and thermodynamic stability) indicates that this missense variant is not expected to disrupt SBF2 protein function with a negative predictive value of 80%. In summary, the available evidence is currently insufficient to determine the role of this variant in disease. Therefore, it has been classified as a Variant of Uncertain Significance.

PreventionGenetics, part of Exact Sciences
Classification: Uncertain significance for SBF2-related condition. Last evaluated: 2025-03-01. Review status: criteria provided, single submitter. Criteria: ACMG Guidelines, 2015. Collection method: clinical testing. Allele origin: germline.
Comment: The SBF2 c.4805A>G variant is predicted to result in the amino acid substitution p.Lys1602Arg. This variant was reported as a variant of uncertain significance in an individual with Charcot-Marie-Tooth disease; however, additional support for pathogenicity was not provided (Supp. Table 2, Volodarsky et al. 2021. PubMed ID: 32376792). This variant is reported in 0.15% of alleles in individuals of African descent in gnomAD. Although we suspect that this variant may be benign, at this time, the clinical significance of this variant is uncertain due to the absence of conclusive functional and genetic evidence.

Ambry Genetics
Classification: Uncertain significance for Inborn genetic diseases. Last evaluated: 2023-01-24. Review status: criteria provided, single submitter. Criteria: Ambry Variant Classification Scheme 2023. Collection method: clinical testing. Allele origin: germline.
Comment: The c.4805A>G (p.K1602R) alteration is located in coding exon 35 of the SBF2 gene. This alteration results from a A to G substitution at nucleotide position 4805, causing the lysine (K) at amino acid position 1602 to be replaced by an arginine (R). Based on data from the Genome Aggregation Database (gnomAD), the SBF2 c.4805A>G alteration was observed in 0.015% (42/282,866) total alleles studied, with a frequency of 0.152% (38/24,960) in the African subpopulation. The p.K1602 amino acid is not well conserved in available vertebrate species, and arginine is the reference allele for multiple species. The p.K1602R alteration is predicted to be benign by Polyphen and tolerated by SIFT in silico analyses. Based on insufficient or conflicting evidence, the clinical significance of this alteration remains unclear.

GeneDx
Classification: Uncertain significance. Last evaluated: 2022-12-19. Review status: criteria provided, single submitter. Criteria: GeneDx Variant Classification Process June 2021. Collection method: clinical testing. Allele origin: germline. Affected: yes.
Comment: Previously reported as a variant of uncertain significance in an individual with a suspected diagnosis of CMT; however, clinical and segregation information was not provided (Volodarsky et al., 2021); In silico analysis supports that this missense variant does not alter protein structure/function; This variant is associated with the following publications: (PMID: 32376792)

Baylor Genetics
Classification: Uncertain significance for Charcot-Marie-Tooth disease type 4B2. Last evaluated: 2020-05-15. Review status: criteria provided, single submitter. Criteria: ACMG Guidelines, 2015. Collection method: clinical testing. Allele origin: unknown. Affected: yes.
Comment: This variant was determined to be of uncertain significance according to ACMG Guidelines, 2015 [PMID:25741868].

Molecular Genetics Laboratory, London Health Sciences Centre
Classification: Uncertain significance for Charcot-Marie-Tooth disease. Review status: criteria provided, single submitter. Criteria: ACMG Guidelines, 2015. Collection method: clinical testing. Allele origin: germline. Affected: yes.

Literature cited by the submitters: PubMed 32376792 (cited by 3 submitters).